The following is an entry in ClinVar:

ClinVar aggregate classification (germline): Uncertain significance (1 of 4 stars; one submission).

Submission:

CeGaT Center for Human Genetics Tuebingen
Classification: Uncertain significance. Last evaluated: 2025-08-01. Review status: criteria provided, single submitter. Criteria: CeGaT Center For Human Genetics Tuebingen Variant Classification Criteria Version 2. Collection method: clinical testing. Allele origin: germline. Affected: yes. Observed: 1 variant allele.
Comment: PMM2: PM2

NM_000303.3(PMM2):c.157C>A (p.Gln53Lys)

Gene: PMM2 (phosphomannomutase 2; plus strand). Cytogenetic location: 16p13.2.
Variant type: single nucleotide variant.
Coding change: c.157C>A on transcript NM_000303.3 (MANE Select); coding-DNA position 157, C replaced by A.
Protein change: p.Gln53Lys; replaces glutamine 53 with lysine.
Molecular consequence: missense variant.
Genome position (GRCh38, 1-based): chr16:8,801,889, C>A. VCF-style: chr16-8801889-C-A. GRCh37 (hg19) VCF-style: chr16-8895746-C-A.
Other names: short protein forms Q53K.
Identifiers: ClinVar variation 4085840 (VCV004085840.8).